The following is an entry in ClinVar:

ClinVar aggregate classification (germline): Uncertain significance (0 of 4 stars; one submission).

Conditions:
VPS13B-related disorder. Also called: VPS13B-related condition.

Submission:

PreventionGenetics, part of Exact Sciences
Classification: Uncertain significance for VPS13B-related condition. Last evaluated: 2024-08-30. Review status: no assertion criteria provided. Collection method: clinical testing. Allele origin: germline.
Comment: The VPS13B c.6551G>T variant is predicted to result in the amino acid substitution p.Cys2184Phe. To our knowledge, this variant has not been reported in the literature or in a large population database, indicating this variant is rare. At this time, the clinical significance of this variant is uncertain due to the absence of conclusive functional and genetic evidence.

NM_152564.5(VPS13B):c.6551G>T (p.Cys2184Phe)

Gene: VPS13B (vacuolar protein sorting 13 homolog B; plus strand). Cytogenetic location: 8q22.2.
Variant type: single nucleotide variant.
Coding change: c.6551G>T on transcript NM_152564.5 (MANE Select); coding-DNA position 6551, G replaced by T.
Protein change: p.Cys2184Phe; replaces cysteine 2184 with phenylalanine.
Molecular consequence: missense variant.
Genome position (GRCh38, 1-based): chr8:99,717,267, G>T. VCF-style: chr8-99717267-G-T. GRCh37 (hg19) VCF-style: chr8-100729495-G-T.
Other names: c.6626G>T, p.Cys2209Phe (NM_017890.5); short protein forms C2184F, C2209F.
Identifiers: ClinVar variation 3347550 (VCV003347550.1).